The following is an entry in ClinVar:

NM_021628.3(ALOXE3):c.*1C>A

Gene: ALOXE3 (arachidonate epidermal lipoxygenase 3; minus strand). Cytogenetic location: 17p13.1.
Variant type: single nucleotide variant.
Coding change: c.*1C>A on transcript NM_021628.3 (MANE Select); 1 bases downstream of the stop codon, C replaced by A.
Molecular consequence: 3 prime UTR variant.
Genome position (GRCh38, 1-based): chr17:8,096,626, G>T on the plus strand (C>A on the coding strand, the complement: ALOXE3 is on the minus strand). VCF-style: chr17-8096626-G-T. GRCh37 (hg19) VCF-style: chr17-7999944-G-T.
Other names: c.*1C>A (NM_001165960.1, NM_001369446.1).
Identifiers: ClinVar variation 3042617 (VCV003042617.2), dbSNP rs531306514, ClinGen allele CA8367851.
Genomic context (GRCh38, chr17:8,096,626, plus strand): 5'-GAGGAACTGGTCCTCCTCATGCTTGGACCTTTCTTTCTTCTTGGGTGGTATTTGGGGGTG[G>T]TTAGATGGAGACGCTGTTCTCAATGAGGGGAGGGTCCAGGTAGGTGTAGGGCAGTGCCAG-3'

ClinVar aggregate classification (germline): Likely benign (0 of 4 stars; one submission).

Conditions:
ALOXE3-related disorder. Also called: ALOXE3-related condition.

Allele frequency attached by ClinVar (database versions not stated): 1000 Genomes Project 30x 0.00031; 1000 Genomes Project 0.00040.
gnomAD v4.1: 80 of 1,295,636 alleles (0.0062%); highest among the groups gnomAD compares: South Asian, 0.09%; no homozygotes.

Submission:

PreventionGenetics, part of Exact Sciences
Classification: Likely benign for ALOXE3-related condition. Last evaluated: 2019-06-27. Review status: no assertion criteria provided. Collection method: clinical testing. Allele origin: germline.
Comment: This variant is classified as likely benign based on ACMG/AMP sequence variant interpretation guidelines (Richards et al. 2015 PMID: 25741868, with internal and published modifications).